The following is an entry in ClinVar:

NM_001128840.3(CACNA1D):c.5750C>T (p.Ser1917Phe)

Gene: CACNA1D (calcium voltage-gated channel subunit alpha1 D; plus strand). Cytogenetic location: 3p21.1.
Variant type: single nucleotide variant.
Coding change: c.5750C>T on transcript NM_001128840.3 (MANE Select); coding-DNA position 5750, C replaced by T.
Protein change: p.Ser1917Phe; replaces serine 1917 with phenylalanine.
Molecular consequence: missense variant.
Genome position (GRCh38, 1-based): chr3:53,808,649, C>T. VCF-style: chr3-53808649-C-T. GRCh37 (hg19) VCF-style: chr3-53842676-C-T.
Other names: c.5810C>T, p.Ser1937Phe (NM_000720.4); c.5678C>T, p.Ser1893Phe (NM_001128839.3); short protein forms S1893F, S1937F, S1917F.
Identifiers: ClinVar variation 1941851 (VCV001941851.5), dbSNP rs1297093759, ClinGen allele CA353255865.
Genomic context (GRCh38, chr3:53,808,649, plus strand): 5'-AAGACGGTGTCCCGGCAGAGAACTTGCTTCACAGCTGTGTGATGCCCTTTGCTTTCCCAG[C>T]CCACCGGAGATCCTCCTTCAACTTTGAGTGCCTGCGCCGGCAGAGCAGCCAGGAAGAGGT-3'
Protein context (NP_001122312.1, residues 1907-1927): RRRLLPPTPA[Ser1917Phe]HRRSSFNFEC

ClinVar aggregate classification (germline): Uncertain significance (1 of 4 stars; one submission).

Submission:

Labcorp Genetics (formerly Invitae), Labcorp
Classification: Uncertain significance. Last evaluated: 2022-04-28. Review status: criteria provided, single submitter. Criteria: Invitae Variant Classification Sherloc (09022015). Collection method: clinical testing. Allele origin: germline.
Comment: This sequence change replaces serine, which is neutral and polar, with phenylalanine, which is neutral and non-polar, at codon 1937 of the CACNA1D protein (p.Ser1937Phe). In summary, the available evidence is currently insufficient to determine the role of this variant in disease. Therefore, it has been classified as a Variant of Uncertain Significance. Algorithms developed to predict the effect of missense changes on protein structure and function are either unavailable or do not agree on the potential impact of this missense change (SIFT: "Deleterious"; PolyPhen-2: "Benign"; Align-GVGD: "Class C0"). This variant has not been reported in the literature in individuals affected with CACNA1D-related conditions. This variant is not present in population databases (gnomAD no frequency).